The following is an entry in ClinVar:

ClinVar aggregate classification (germline): Pathogenic (1 of 4 stars; one submission).

Submission:

CeGaT Center for Human Genetics Tuebingen
Classification: Pathogenic. Last evaluated: 2023-06-01. Review status: criteria provided, single submitter. Criteria: CeGaT Center For Human Genetics Tuebingen Variant Classification Criteria Version 2. Collection method: clinical testing. Allele origin: germline. Affected: yes. Observed: 1 variant allele.
Comment: ABCB4: PVS1, PM2

NM_000443.4(ABCB4):c.2587_2591delinsATCAGTGTTAAACACTGATTGAAAGTGTGTCTGATC (p.Val863_Val864delinsIleSerValLysHisTer)

Gene: ABCB4 (ATP binding cassette subfamily B member 4; minus strand). Cytogenetic location: 7q21.12.
Variant type: Indel.
Coding change: c.2587_2591delinsATCAGTGTTAAACACTGATTGAAAGTGTGTCTGATC on transcript NM_000443.4 (MANE Select); coding-DNA positions 2587 to 2591, the reference bases replaced by an inserted sequence.
Protein change: p.Val863_Val864delinsIleSerValLysHisTer.
Molecular consequence: nonsense.
Genome position (GRCh38, 1-based): chr7:87,417,403-87,417,407, 5 bases replaced. GRCh37 (hg19): chr7:87,046,719-87,046,723.
Other names: c.2587_2591delinsATCAGTGTTAAACACTGATTGAAAGTGTGTCTGATC, p.Val863_Val864delinsIleSerValLysHisTer (NM_018849.3, NM_018850.3).
Identifiers: ClinVar variation 2571280 (VCV002571280.27), dbSNP rs2546772400, ClinGen allele CA2580615909.